The following is an entry in ClinVar:

ClinVar aggregate classification (germline): Uncertain significance (1 of 4 stars; one submission).

Conditions:
Inborn genetic diseases. Identifiers: MedGen C0950123, MeSH D030342.

Submission:

Ambry Genetics
Classification: Uncertain significance for Inborn genetic diseases. Last evaluated: 2022-07-24. Review status: criteria provided, single submitter. Criteria: Ambry Variant Classification Scheme 2023. Collection method: clinical testing. Allele origin: germline.
Comment: Not expected to trigger nonsense-mediated mRNA decay Based on insufficient or conflicting evidence, the clinical significance of this alteration remains unclear.

NM_003839.4(TNFRSF11A):c.1638del (p.Ile547fs)

Gene: TNFRSF11A (TNF receptor superfamily member 11a; plus strand). Cytogenetic location: 18q21.33.
Variant type: Deletion.
Coding change: c.1638del on transcript NM_003839.4 (MANE Select); coding-DNA position 1638, one base deleted (C; older notation c.1638delC).
Protein change: p.Ile547fs; shifts the reading frame from isoleucine 547.
Molecular consequence: frameshift variant. On other transcripts: 3 prime UTR variant (1).
Genome position (GRCh38, 1-based): chr18:62,384,821, C deleted. VCF-style (leftmost placement, unchanged base first): chr18-62384820-TC-T. GRCh37 (hg19) VCF-style: chr18-60052053-TC-T.
Other names: c.*62del (NM_001270949.2); c.801del, p.Ile268fs (NM_001270950.2); c.687del, p.Ile230fs (NM_001270951.2); c.1596del, p.Ile533fs (NM_001278268.2); short protein forms I533fs, I268fs, I230fs, I547fs.
Identifiers: ClinVar variation 2296615 (VCV002296615.2), dbSNP rs2511620653, ClinGen allele CA2580095988.